The following is an entry in ClinVar:

NC_000022.10:g.(?_26995454)_(26995657_?)del

Gene: CRYBB1 (crystallin beta B1; minus strand). Cytogenetic location: 22q12.1.
Variant type: Deletion.
Identifiers: ClinVar variation 2424299 (VCV002424299.5).

ClinVar aggregate classification (germline): Uncertain significance (1 of 4 stars; one submission).

Conditions:
Cataract 17 multiple types. Also called: CATARACT 17, PULVERULENT; CATARACT 17, CONGENITAL NUCLEAR, AUTOSOMAL RECESSIVE. Identifiers: Orphanet 91492, MedGen C3888124, MONDO:0012688, OMIM 611544.

Submission:

Labcorp Genetics (formerly Invitae), Labcorp
Classification: Uncertain significance for Cataract 17 multiple types. Last evaluated: 2022-06-22. Review status: criteria provided, single submitter. Criteria: Invitae Variant Classification Sherloc (09022015). Collection method: clinical testing. Allele origin: germline.
Comment: A similar copy number variant has been observed in individual(s) with congenital cataract (Invitae). This variant is a gross deletion of the genomic region encompassing exon(s) 6 of the CRYBB1 gene, which includes the termination codon. This deletion extends beyond the assayed region for this gene and therefore may encompass additional genes. While this deletion is not anticipated to lead to nonsense mediated decay, it is expected to alter mRNA translation or result in a truncated protein product. Experimental studies and prediction algorithms are not available or were not evaluated, and the functional significance of this variant is currently unknown. In summary, the available evidence is currently insufficient to determine the role of this variant in disease. Therefore, it has been classified as a Variant of Uncertain Significance.